The following is an entry in ClinVar:

NM_012309.5(SHANK2):c.1708G>A (p.Gly570Ser)

Gene: SHANK2 (SH3 and multiple ankyrin repeat domains 2; minus strand). Cytogenetic location: 11q13.4.
Variant type: single nucleotide variant.
Coding change: c.1708G>A on transcript NM_012309.5 (MANE Select); coding-DNA position 1708, G replaced by A.
Protein change: p.Gly570Ser; replaces glycine 570 with serine.
Molecular consequence: missense variant.
Genome position (GRCh38, 1-based): chr11:70,798,512, C>T on the plus strand (G>A on the coding strand, the complement: SHANK2 is on the minus strand). VCF-style: chr11-70798512-C-T. GRCh37 (hg19) VCF-style: chr11-70644617-C-T.
Other names: c.571G>A, p.Gly191Ser (NM_001379226.1); short protein forms G191S, G570S.
Identifiers: ClinVar variation 2628972 (VCV002628972.1), dbSNP rs781801712, ClinGen allele CA223849604.

ClinVar aggregate classification (germline): Uncertain significance (1 of 4 stars; one submission).

Conditions:
SHANK2-related disorder.

Allele frequency attached by ClinVar (database versions not stated): gnomAD exomes 0.00001; gnomAD 0.00003; TOPMed 0.00003.
gnomAD v4.1: 10 of 718,464 alleles (0.0014%); highest among the groups gnomAD compares: African/African-American, 0.007%; no homozygotes.

Submission:

PreventionGenetics, part of Exact Sciences
Classification: Uncertain significance for SHANK2-related condition. Last evaluated: 2022-11-26. Review status: criteria provided, single submitter. Criteria: ACMG Guidelines, 2015. Collection method: clinical testing. Allele origin: germline.
Comment: The SHANK2 c.1708G>A variant is predicted to result in the amino acid substitution p.Gly570Ser. This variant was reported in a large study of individuals with neurodevelopmental disorders; however, pathogenicity was not established with functional or segregation analysis (See Supp Table 5; reported as c.1562G>A in Wang et al 2020. PubMed ID: 33004838). This variant is reported in 0.0051% of alleles in individuals of European (Finnish) descent in gnomAD. At this time, the clinical significance of this variant is uncertain due to the absence of conclusive functional and genetic evidence.